The following is an entry in ClinVar:

ClinVar aggregate classification (germline): Uncertain significance. Review status: criteria provided, multiple submitters, no conflicts (2 of 4 stars). 6 submissions from 6 submitters: Uncertain significance (6). Last evaluated 2025-12-15.

Conditions:
Hypertrophic cardiomyopathy. Also called: HYPERTROPHIC MYOCARDIOPATHY. Identifiers: Orphanet 217569, MedGen C0007194, MeSH D002312, MONDO:0005045, HP:0001639.
Cardiovascular phenotype. Identifiers: MedGen CN230736.
Cardiomyopathy (CMYO). Also called: Cardiomyopathies. Identifiers: Orphanet 167848, MedGen C0878544, MONDO:0004994, HP:0001638. Inheritance: Various modes of inheritance.

Allele frequency attached by ClinVar (database versions not stated): gnomAD 0.00001; ExAC 0.00002; TOPMed 0.00002; gnomAD exomes 0.00001.
gnomAD v4.1: 21 of 1,612,668 alleles (0.0013%); highest among the groups gnomAD compares: Non-Finnish European, 0.0018%; no homozygotes.

Submissions (6):

Labcorp Genetics (formerly Invitae), Labcorp
Classification: Uncertain significance for Hypertrophic cardiomyopathy. Last evaluated: 2025-12-15. Review status: criteria provided, single submitter. Criteria: Invitae Variant Classification Sherloc (09022015). Collection method: clinical testing. Allele origin: germline.
Comment: This sequence change replaces alanine, which is neutral and non-polar, with valine, which is neutral and non-polar, at codon 161 of the TNNI3 protein (p.Ala161Val). This variant is present in population databases (rs753413305, gnomAD 0.002%). This missense change has been observed in individual(s) with hypertrophic cardiomyopathy (PMID: 33495597). ClinVar contains an entry for this variant (Variation ID: 454406). An algorithm developed to predict the effect of missense changes on protein structure and function (PolyPhen-2) suggests that this variant is likely to be tolerated. In summary, the available evidence is currently insufficient to determine the role of this variant in disease. Therefore, it has been classified as a Variant of Uncertain Significance.

Women's Health and Genetics/Laboratory Corporation of America, LabCorp
Classification: Uncertain significance. Last evaluated: 2024-11-10. Review status: criteria provided, single submitter. Criteria: LabCorp Variant Classification Summary - May 2015. Collection method: clinical testing. Allele origin: germline.

Color Diagnostics, LLC DBA Color Health
Classification: Uncertain significance for Cardiomyopathy. Last evaluated: 2024-07-08. Review status: criteria provided, single submitter. Criteria: ACMG Guidelines, 2015. Collection method: clinical testing. Allele origin: germline.
Comment: This missense variant replaces alanine with valine at codon 161 of the TNNI3 protein. Computational prediction tools indicate that this variant has a neutral impact on protein structure and function. To our knowledge, functional studies have not been reported for this variant. This variant has been reported in at least one individual affected with hypertrophic cardiomyopathy (PMID: 33495597). This variant has been identified in 2/248904 chromosomes in the general population by the Genome Aggregation Database (gnomAD). The available evidence is insufficient to determine the role of this variant in disease conclusively. Therefore, this variant is classified as a Variant of Uncertain Significance.

All of Us Research Program, National Institutes of Health
Classification: Uncertain significance for Hypertrophic cardiomyopathy. Last evaluated: 2023-12-13. Review status: criteria provided, single submitter. Criteria: ACMG Guidelines, 2015. Collection method: clinical testing. Allele origin: germline. Inheritance: Autosomal dominant inheritance. Observed: 8 variant alleles, 8 heterozygotes.
Comment: This missense variant replaces alanine with valine at codon 161 of the TNNI3 protein. Computational prediction suggests that this variant may not impact protein structure and function (internally defined REVEL score threshold <= 0.5, PMID: 27666373). To our knowledge, functional studies have not been reported for this variant. This variant has been reported in at least one individual affected with hypertrophic cardiomyopathy (PMID: 33495597). This variant has been identified in 2/248904 chromosomes in the general population by the Genome Aggregation Database (gnomAD). The available evidence is insufficient to determine the role of this variant in disease conclusively. Therefore, this variant is classified as a Variant of Uncertain Significance.

This study involves interpretation of variants in research participants for the purpose of population health screening. Participant phenotype was not available at the time of variant classification. Additional details can be found in publication PMID: 35346344, PMCID: PMC8962531

Ambry Genetics
Classification: Uncertain significance for Cardiovascular phenotype. Last evaluated: 2022-03-28. Review status: criteria provided, single submitter. Criteria: Ambry Variant Classification Scheme 2023. Collection method: clinical testing. Allele origin: germline.
Comment: The p.A161V variant (also known as c.482C>T), located in coding exon 7 of the TNNI3 gene, results from a C to T substitution at nucleotide position 482. The alanine at codon 161 is replaced by valine, an amino acid with similar properties. This variant was reported in a hypertrophic cardiomyopathy (HCM) cohort; however, clinical details were limited (Harper AR et al. Nat Genet, 2021 02;53:135-142). This amino acid position is poorly conserved in available vertebrate species. In addition, the in silico prediction for this alteration is inconclusive. Since supporting evidence is limited at this time, the clinical significance of this alteration remains unclear.

Stanford Center for Inherited Cardiovascular Disease, Stanford University
Classification: Uncertain significance. Last evaluated: 2016-02-22. Review status: criteria provided, single submitter. Criteria: ACMG Guidelines, 2015. Collection method: provider interpretation. Allele origin: germline.

Literature cited by the submitters: PubMed 33495597 (cited by 4 submitters).

NM_000363.5(TNNI3):c.482C>T (p.Ala161Val)

Gene: TNNI3 (troponin I3, cardiac type; minus strand). Cytogenetic location: 19q13.42.
Variant type: single nucleotide variant.
Coding change: c.482C>T on transcript NM_000363.5 (MANE Select); coding-DNA position 482, C replaced by T.
Protein change: p.Ala161Val; replaces alanine 161 with valine.
Molecular consequence: missense variant.
Genome position (GRCh38, 1-based): chr19:55,154,097, G>A on the plus strand (C>T on the coding strand, the complement: TNNI3 is on the minus strand). VCF-style: chr19-55154097-G-A. GRCh37 (hg19) VCF-style: chr19-55665465-G-A.
Other names: c.482C>T (LRG_432t1); short protein forms A161V.
Identifiers: ClinVar variation 454406 (VCV000454406.24), dbSNP rs753413305, ClinGen allele CA051664.